The following is an entry in ClinVar:

NM_172364.5(CACNA2D4):c.2499G>A (p.Thr833=)

Gene: CACNA2D4 (calcium voltage-gated channel auxiliary subunit alpha2delta 4; minus strand). Cytogenetic location: 12p13.33.
Variant type: single nucleotide variant.
Coding change: c.2499G>A on transcript NM_172364.5 (MANE Select); coding-DNA position 2499, G replaced by A.
Protein change: p.Thr833=; no amino-acid change (threonine 833 retained).
Molecular consequence: synonymous variant.
Genome position (GRCh38, 1-based): chr12:1,840,791, C>T on the plus strand (G>A on the coding strand, the complement: CACNA2D4 is on the minus strand). VCF-style: chr12-1840791-C-T. GRCh37 (hg19) VCF-style: chr12-1949957-C-T.
Other names: c.2499G>A (NM_172364.4).
Identifiers: ClinVar variation 1166733 (VCV001166733.12), dbSNP rs199688605, ClinGen allele CA6386662.

ClinVar aggregate classification (germline): Benign/Likely benign. Review status: criteria provided, multiple submitters, no conflicts (2 of 4 stars). 3 submissions from 3 submitters: Benign (1); Likely benign (1). 1 of the submissions does not count toward it. Last evaluated 2026-01-24.

Conditions:
CACNA2D4-related disorder. Also called: CACNA2D4-related condition.

Allele frequency attached by ClinVar (database versions not stated): gnomAD exomes 0.00020 and 0.00045; ExAC 0.00041; 1000 Genomes Project 30x 0.00062; 1000 Genomes Project 0.00080; TOPMed 0.00142; gnomAD 0.00144; ESP Exome Variant Server 0.00149.
gnomAD v4.1: 501 of 1,613,900 alleles (0.031%); highest among the groups gnomAD compares: African/African-American, 0.4%; 4 homozygotes.

Submissions (3):

Labcorp Genetics (formerly Invitae), Labcorp
Classification: Benign. Last evaluated: 2026-01-24. Review status: criteria provided, single submitter. Criteria: Invitae Variant Classification Sherloc (09022015). Collection method: clinical testing. Allele origin: germline.

Blueprint Genetics
Classification: Likely benign. Last evaluated: 2024-09-23. Review status: criteria provided, single submitter. Criteria: ACMG Guidelines, 2015. Collection method: clinical testing. Allele origin: germline.

PreventionGenetics, part of Exact Sciences
Classification: Likely benign for CACNA2D4-related condition. Last evaluated: 2019-07-30. Review status: no assertion criteria provided. Collection method: clinical testing. Allele origin: germline. Not counted in ClinVar's aggregate classification.
Comment: This variant is classified as likely benign based on ACMG/AMP sequence variant interpretation guidelines (Richards et al. 2015 PMID: 25741868, with internal and published modifications).